The following is an entry in ClinVar:

ClinVar aggregate classification (germline): Uncertain significance. Review status: criteria provided, multiple submitters, no conflicts (2 of 4 stars). 2 submissions from 2 submitters: Uncertain significance (2). Last evaluated 2026-01-13.

Conditions:
Marfan syndrome (MFS). Also called: FBN1-Related Marfan Syndrome; MARFAN SYNDROME, TYPE I; Marfan syndrome type 1; Marfan's syndrome; Marfan syndrome, classic. Identifiers: Orphanet 284963, Orphanet 558, MedGen C0024796, MONDO:0007947, OMIM 154700.
Familial thoracic aortic aneurysm and aortic dissection (TAAD). Also called: Thoracic aortic aneurysms and dissections. Identifiers: Orphanet 91387, MedGen C4707243, MONDO:0019625.

Submissions (2):

Labcorp Genetics (formerly Invitae), Labcorp
Classification: Uncertain significance for Marfan syndrome; Familial thoracic aortic aneurysm and aortic dissection. Last evaluated: 2026-01-13. Review status: criteria provided, single submitter. Criteria: Invitae Variant Classification Sherloc (09022015). Collection method: clinical testing. Allele origin: germline.
Comment: This sequence change replaces proline, which is neutral and non-polar, with leucine, which is neutral and non-polar, at codon 2782 of the FBN1 protein (p.Pro2782Leu). This variant is not present in population databases (gnomAD no frequency). This variant has not been reported in the literature in individuals affected with FBN1-related conditions. Invitae Evidence Modeling of protein sequence and biophysical properties (such as structural, functional, and spatial information, amino acid conservation, physicochemical variation, residue mobility, and thermodynamic stability) indicates that this missense variant is expected to disrupt FBN1 protein function with a positive predictive value of 95%. In summary, the available evidence is currently insufficient to determine the role of this variant in disease. Therefore, it has been classified as a Variant of Uncertain Significance.

Blueprint Genetics
Classification: Uncertain significance. Last evaluated: 2019-08-13. Review status: criteria provided, single submitter. Criteria: ACMG Guidelines, 2015. Collection method: clinical testing. Allele origin: germline.

NM_000138.5(FBN1):c.8345C>T (p.Pro2782Leu)

Gene: FBN1 (fibrillin 1; minus strand). Cytogenetic location: 15q21.1.
Variant type: single nucleotide variant.
Coding change: c.8345C>T on transcript NM_000138.5 (MANE Select); coding-DNA position 8345, C replaced by T.
Protein change: p.Pro2782Leu; replaces proline 2782 with leucine.
Molecular consequence: missense variant.
Genome position (GRCh38, 1-based): chr15:48,411,261, G>A on the plus strand (C>T on the coding strand, the complement: FBN1 is on the minus strand). VCF-style: chr15-48411261-G-A. GRCh37 (hg19) VCF-style: chr15-48703458-G-A.
Other names: c.8345C>T, p.Pro2782Leu (NM_001406716.1); short protein forms P2782L.
Identifiers: ClinVar variation 4788835 (VCV004788835.2).